The following is an entry in ClinVar:

ClinVar aggregate classification (germline): Uncertain significance (1 of 4 stars; one submission).

gnomAD v4.1: 3 of 1,614,020 alleles (0.00019%); highest among the groups gnomAD compares: South Asian, 0.0033%; no homozygotes.

Submission:

Labcorp Genetics (formerly Invitae), Labcorp
Classification: Uncertain significance. Last evaluated: 2025-05-28. Review status: criteria provided, single submitter. Criteria: Invitae Variant Classification Sherloc (09022015). Collection method: clinical testing. Allele origin: germline.
Comment: This sequence change replaces alanine, which is neutral and non-polar, with threonine, which is neutral and polar, at codon 714 of the AUTS2 protein (p.Ala714Thr). This variant is present in population databases (rs746177538, gnomAD 0.003%). This variant has not been reported in the literature in individuals affected with AUTS2-related conditions. Invitae Evidence Modeling of protein sequence and biophysical properties (such as structural, functional, and spatial information, amino acid conservation, physicochemical variation, residue mobility, and thermodynamic stability) indicates that this missense variant is not expected to disrupt AUTS2 protein function with a negative predictive value of 80%. In summary, the available evidence is currently insufficient to determine the role of this variant in disease. Therefore, it has been classified as a Variant of Uncertain Significance.

NM_015570.4(AUTS2):c.2140G>A (p.Ala714Thr)

Gene: AUTS2 (activator of transcription and developmental regulator AUTS2; plus strand). Cytogenetic location: 7q11.22.
Variant type: single nucleotide variant.
Coding change: c.2140G>A on transcript NM_015570.4 (MANE Select); coding-DNA position 2140, G replaced by A.
Protein change: p.Ala714Thr; replaces alanine 714 with threonine.
Molecular consequence: missense variant.
Genome position (GRCh38, 1-based): chr7:70,781,750, G>A. VCF-style: chr7-70781750-G-A. GRCh37 (hg19) VCF-style: chr7-70246736-G-A.
Other names: c.2068G>A, p.Ala690Thr (NM_001127231.3); short protein forms A690T, A714T.
Identifiers: ClinVar variation 4776926 (VCV004776926.1).
Genomic context (GRCh38, chr7:70,781,750, plus strand): 5'-AGTCTTTTTGGAGCCATCCACCACCCCCATGACCTGGCACGGCCTTCAACTTTGTTCTCT[G>A]CCGCTGGTGAGTGTGGGTTTGGGTGGGGGGACAGAGCTGAGAAATGTAGTTCTCAGGTAA-3'
Protein context (NP_056385.1, residues 704-724): DLARPSTLFS[Ala714Thr]AGAAHPTGTP